The following is an entry in ClinVar:

NM_001008212.2(OPTN):c.1174A>G (p.Thr392Ala)

Gene: OPTN (optineurin; plus strand). Cytogenetic location: 10p13.
Variant type: single nucleotide variant.
Coding change: c.1174A>G on transcript NM_001008212.2 (MANE Select); coding-DNA position 1174, A replaced by G.
Protein change: p.Thr392Ala; replaces threonine 392 with alanine.
Molecular consequence: missense variant.
Genome position (GRCh38, 1-based): chr10:13,125,971, A>G. VCF-style: chr10-13125971-A-G. GRCh37 (hg19) VCF-style: chr10-13167971-A-G.
Other names: c.1174A>G, p.Thr392Ala (NM_001008211.1, NM_001008213.1, NM_021980.4); short protein forms T392A.
Identifiers: ClinVar variation 1019966 (VCV001019966.9), dbSNP rs751226367, ClinGen allele CA5410895.
Genomic context (GRCh38, chr10:13,125,971, plus strand): 5'-CCCAGGATTCCATTTTTTAATATCTTTTTTAATAGGTCCAAATTAACTGTGCTACAGATG[A>G]CACACAACAAGCTTCTTCAAGAACATAATAATGCATTGAAAACAATTGAGGAACTAACAA-3'
Protein context (NP_001008213.1, residues 382-402): EKSKLTVLQM[Thr392Ala]HNKLLQEHNN

ClinVar aggregate classification (germline): Uncertain significance (1 of 4 stars; one submission).

Conditions:
Primary open angle glaucoma (POAG). Also called: OPTN-related open angle glaucoma. Identifiers: MedGen C0339573, MONDO:0100553, OMIM 137760.
Glaucoma 1, open angle, E. Identifiers: MedGen C1842026, MONDO:0007665.
Amyotrophic lateral sclerosis type 12 (ALS12). Also called: AMYOTROPHIC LATERAL SCLEROSIS 12 WITH OR WITHOUT FRONTOTEMPORAL DEMENTIA. Identifiers: Orphanet 803, MedGen C3150692, MONDO:0013264, OMIM 613435.

Allele frequency attached by ClinVar (database versions not stated): gnomAD exomes below 0.00001 and 0.00001; TOPMed below 0.00001; ExAC 0.00001.
gnomAD v4.1: 2 of 1,611,448 alleles (0.00012%); highest among the groups gnomAD compares: Non-Finnish European, 0.00017%; no homozygotes.

Submission:

Labcorp Genetics (formerly Invitae), Labcorp
Classification: Uncertain significance for Primary open angle glaucoma; Glaucoma 1, open angle, E; Amyotrophic lateral sclerosis type 12. Last evaluated: 2020-03-11. Review status: criteria provided, single submitter. Criteria: Invitae Variant Classification Sherloc (09022015). Collection method: clinical testing. Allele origin: germline.
Comment: This variant is present in population databases (rs751226367, ExAC 0.002%). This variant has not been reported in the literature in individuals with OPTN-related conditions. Algorithms developed to predict the effect of missense changes on protein structure and function output the following: SIFT: "Tolerated"; PolyPhen-2: "Benign"; Align-GVGD: "Class C0". The alanine amino acid residue is found in multiple mammalian species, suggesting that this missense change does not adversely affect protein function. These predictions have not been confirmed by published functional studies and their clinical significance is uncertain. In summary, the available evidence is currently insufficient to determine the role of this variant in disease. Therefore, it has been classified as a Variant of Uncertain Significance. This sequence change replaces threonine with alanine at codon 392 of the OPTN protein (p.Thr392Ala). The threonine residue is moderately conserved and there is a small physicochemical difference between threonine and alanine.